The following is an entry in ClinVar:

NM_020458.4(TTC7A):c.1617G>A (p.Ser539=)

Gene: TTC7A (tetratricopeptide repeat domain 7A; plus strand). Cytogenetic location: 2p21.
Variant type: single nucleotide variant.
Coding change: c.1617G>A on transcript NM_020458.4 (MANE Select); coding-DNA position 1617, G replaced by A.
Protein change: p.Ser539=; no amino-acid change (serine 539 retained).
Molecular consequence: synonymous variant.
Genome position (GRCh38, 1-based): chr2:47,024,335, G>A. VCF-style: chr2-47024335-G-A. GRCh37 (hg19) VCF-style: chr2-47251474-G-A.
Other names: p.Ser539=; c.1617G>A, p.Ser539= (LRG_1323t1, NM_001288951.2); c.1515G>A, p.Ser505= (NM_001288953.2); c.555G>A, p.Ser185= (NM_001288955.2).
Identifiers: ClinVar variation 528465 (VCV000528465.16), dbSNP rs112085853, ClinGen allele CA1647768.

ClinVar aggregate classification (germline): Benign/Likely benign. Review status: criteria provided, multiple submitters, no conflicts (2 of 4 stars). 4 submissions from 4 submitters: Benign (1); Likely benign (2). 1 of the submissions does not count toward it. Last evaluated 2026-01-22.

Conditions:
TTC7A-related disorder. Also called: TTC7A-related condition.
Multiple gastrointestinal atresias. Also called: Multiple intestinal atresia; FAMILIAL INTESTINAL POLYATRESIA SYNDROME. Identifiers: Orphanet 2300, MedGen C0220744, MONDO:0009465.

Allele frequency attached by ClinVar (database versions not stated): gnomAD exomes 0.00042; ExAC 0.00055; 1000 Genomes Project 30x 0.00109; 1000 Genomes Project 0.00120; ESP Exome Variant Server 0.00177; gnomAD 0.00182 and 0.00189; TOPMed 0.00221.
gnomAD v4.1: 554 of 1,607,124 alleles (0.034%); highest among the groups gnomAD compares: African/African-American, 0.63%; 1 homozygote.

Submissions (4):

Labcorp Genetics (formerly Invitae), Labcorp
Classification: Benign for Multiple gastrointestinal atresias. Last evaluated: 2026-01-22. Review status: criteria provided, single submitter. Criteria: Invitae Variant Classification Sherloc (09022015). Collection method: clinical testing. Allele origin: germline.

Mayo Clinic Laboratories, Mayo Clinic
Classification: Likely benign. Last evaluated: 2025-07-29. Review status: criteria provided, single submitter. Criteria: ACMG Guidelines, 2015. Collection method: clinical testing. Allele origin: germline. Observed: 1 variant allele.
Comment: BS1, BP4, BP7

Blueprint Genetics
Classification: Likely benign. Last evaluated: 2024-08-15. Review status: criteria provided, single submitter. Criteria: ACMG Guidelines, 2015. Collection method: clinical testing. Allele origin: germline.

PreventionGenetics, part of Exact Sciences
Classification: Likely benign for TTC7A-related condition. Last evaluated: 2019-10-28. Review status: no assertion criteria provided. Collection method: clinical testing. Allele origin: germline. Not counted in ClinVar's aggregate classification.
Comment: This variant is classified as likely benign based on ACMG/AMP sequence variant interpretation guidelines (Richards et al. 2015 PMID: 25741868, with internal and published modifications).